The following is an entry in ClinVar:

ClinVar aggregate classification (germline): Uncertain significance. Review status: criteria provided, multiple submitters, no conflicts (2 of 4 stars). 4 submissions from 4 submitters: Uncertain significance (3). 1 of the submissions does not count toward it. Last evaluated 2026-03-05.

Conditions:
IMPG2-related disorder. Also called: IMPG2-related condition.

Allele frequency attached by ClinVar (database versions not stated): ExAC 0.00002; gnomAD exomes 0.00002 and 0.00004; gnomAD 0.00005 and 0.00006; TOPMed 0.00006; ESP Exome Variant Server 0.00008.
gnomAD v4.1: 40 of 1,613,720 alleles (0.0025%); highest among the groups gnomAD compares: Admixed American, 0.03%; no homozygotes.

Submissions (4):

PreventionGenetics, part of Exact Sciences
Classification: Uncertain significance for IMPG2-related condition. Last evaluated: 2026-03-05. Review status: criteria provided, single submitter. Criteria: ACMG Guidelines, 2015. Collection method: clinical testing. Allele origin: germline.
Comment: The IMPG2 c.2819A>G variant is predicted to result in the amino acid substitution p.Gln940Arg. To our knowledge, this variant has not been reported in the literature. This variant is reported in 0.026% of alleles in individuals of Latino descent in gnomAD. At this time, the clinical significance of this variant is uncertain due to the absence of conclusive functional and genetic evidence.

Labcorp Genetics (formerly Invitae), Labcorp
Classification: Uncertain significance. Last evaluated: 2023-12-11. Review status: criteria provided, single submitter. Criteria: Invitae Variant Classification Sherloc (09022015). Collection method: clinical testing. Allele origin: germline.
Comment: This sequence change replaces glutamine, which is neutral and polar, with arginine, which is basic and polar, at codon 940 of the IMPG2 protein (p.Gln940Arg). This variant is present in population databases (rs373286123, gnomAD 0.02%). This variant has not been reported in the literature in individuals affected with IMPG2-related conditions. ClinVar contains an entry for this variant (Variation ID: 962775). Advanced modeling of protein sequence and biophysical properties (such as structural, functional, and spatial information, amino acid conservation, physicochemical variation, residue mobility, and thermodynamic stability) performed at Invitae indicates that this missense variant is expected to disrupt IMPG2 protein function with a positive predictive value of 80%. In summary, the available evidence is currently insufficient to determine the role of this variant in disease. Therefore, it has been classified as a Variant of Uncertain Significance.

Blueprint Genetics
Classification: Uncertain significance. Last evaluated: 2022-07-13. Review status: criteria provided, single submitter. Criteria: ACMG Guidelines, 2015. Collection method: clinical testing. Allele origin: germline.

Department of Pathology and Laboratory Medicine, Sinai Health System
Classification: Uncertain significance. Review status: no assertion criteria provided. Collection method: clinical testing. Allele origin: unknown. Affected: yes. Study: The Canadian Open Genetics Repository (COGR). Not counted in ClinVar's aggregate classification.
Comment: The IMPG2 p.Gln940Arg variant was not identified in the literature nor was it identified in ClinVar or LOVD 3.0. The variant was identified in dbSNP (ID: rs373286123) and in control databases in 11 of 251076 chromosomes at a frequency of 0.00004381 (Genome Aggregation Database March 6, 2019, v2.1.1). The variant was observed in the following populations: Latino in 9 of 34562 chromosomes (freq: 0.00026), Other in 1 of 6126 chromosomes (freq: 0.000163) and European (non-Finnish) in 1 of 113434 chromosomes (freq: 0.000009), but was not observed in the African, Ashkenazi Jewish, East Asian, European (Finnish), or South Asian populations. The p.Gln940 residue is conserved across mammals and other organisms, and four out of five computational analyses (PolyPhen-2, SIFT, AlignGVGD, BLOSUM, MutationTaster) suggest that the variant may impact the protein; however, this information is not predictive enough to assume pathogenicity. The variant occurs outside of the splicing consensus sequence and two of four in silico or computational prediction software programs (SpliceSiteFinder, MaxEntScan, NNSPLICE, GeneSplicer) predict a greater than 10% difference in splicing; this is not very predictive of pathogenicity. In summary, based on the above information the clinical significance of this variant cannot be determined with certainty at this time. This variant is classified as a variant of uncertain significance.

NM_016247.4(IMPG2):c.2819A>G (p.Gln940Arg)

Gene: IMPG2 (interphotoreceptor matrix proteoglycan 2; minus strand). Cytogenetic location: 3q12.3.
Variant type: single nucleotide variant.
Coding change: c.2819A>G on transcript NM_016247.4 (MANE Select); coding-DNA position 2819, A replaced by G.
Protein change: p.Gln940Arg; replaces glutamine 940 with arginine.
Molecular consequence: missense variant.
Genome position (GRCh38, 1-based): chr3:101,242,891, T>C on the plus strand (A>G on the coding strand, the complement: IMPG2 is on the minus strand). VCF-style: chr3-101242891-T-C. GRCh37 (hg19) VCF-style: chr3-100961735-T-C.
Other names: short protein forms Q940R.
Identifiers: ClinVar variation 962775 (VCV000962775.11), dbSNP rs373286123, ClinGen allele CA2518894.